The following is an entry in ClinVar:

NM_001144952.2(SDK2):c.1640G>T (p.Arg547Leu)

Gene: SDK2 (sidekick cell adhesion molecule 2; minus strand). Cytogenetic location: 17q25.1.
Variant type: single nucleotide variant.
Coding change: c.1640G>T on transcript NM_001144952.2 (MANE Select); coding-DNA position 1640, G replaced by T.
Protein change: p.Arg547Leu; replaces arginine 547 with leucine.
Molecular consequence: missense variant.
Genome position (GRCh38, 1-based): chr17:73,424,036, C>A on the plus strand (G>T on the coding strand, the complement: SDK2 is on the minus strand). VCF-style: chr17-73424036-C-A. GRCh37 (hg19) VCF-style: chr17-71420175-C-A.
Other names: NC_000017.10:g.71420175C>A; short protein forms R547L.
Identifiers: ClinVar variation 2648185 (VCV002648185.25), dbSNP rs35867741, ClinGen allele CA8743768.
Genomic context (GRCh38, chr17:73,424,036, plus strand): 5'-TACGTGCCGATGTCTCCCGACCACGTCTGTGAGATGTGCAGGGAGCCGTTTCTGTCCAGG[C>A]GGATACGAGGATGGCTCTCCGTGCCCAGGGTGGCCCCGTCCTTCTCCCAGATGTACCTAA-3'
Protein context (NP_001138424.1, residues 537-557): TLGTESHPRI[Arg547Leu]LDRNGSLHIS

ClinVar aggregate classification (germline): Likely benign (1 of 4 stars; one submission).

Allele frequency attached by ClinVar (database versions not stated): 1000 Genomes Project 0.00479; 1000 Genomes Project 30x 0.00500; ESP Exome Variant Server 0.00661.
gnomAD v4.1: 11,798 of 1,612,636 alleles (0.73%); highest among the groups gnomAD compares: Middle Eastern, 1.2%; 69 homozygotes.

Submissions (7):

CeGaT Center for Human Genetics Tuebingen
Classification: Likely benign. Last evaluated: 2022-11-01. Review status: criteria provided, single submitter. Criteria: CeGaT Center For Human Genetics Tuebingen Variant Classification Criteria Version 2. Collection method: clinical testing. Allele origin: germline. Affected: yes. Observed: 1 variant allele.
Comment: SDK2: BP4, BS2

Dr. Peter K. Rogan Lab, Western University
No classification provided (evidence only). Condition: Acute myeloid leukemia. Review status: no classification provided. Collection method: in vitro. Allele origin: not applicable. Functional consequence: retained intron. Not counted in ClinVar's aggregate classification.

Dr. Peter K. Rogan Lab, Western University
No classification provided (evidence only). Condition: Acute myeloid leukemia. Review status: no classification provided. Collection method: in vitro. Allele origin: not applicable. Functional consequence: retained intron. Not counted in ClinVar's aggregate classification.

Dr. Peter K. Rogan Lab, Western University
No classification provided (evidence only). Condition: Ovarian serous cystadenocarcinoma. Review status: no classification provided. Collection method: in vitro. Allele origin: not applicable. Functional consequence: retained intron. Not counted in ClinVar's aggregate classification.

Dr. Peter K. Rogan Lab, Western University
No classification provided (evidence only). Condition: Gastric cancer. Review status: no classification provided. Collection method: in vitro. Allele origin: not applicable. Functional consequence: retained intron. Not counted in ClinVar's aggregate classification.

Dr. Peter K. Rogan Lab, Western University
No classification provided (evidence only). Condition: Malignant tumor of esophagus. Review status: no classification provided. Collection method: in vitro. Allele origin: not applicable. Functional consequence: retained intron. Not counted in ClinVar's aggregate classification.

Dr. Peter K. Rogan Lab, Western University
No classification provided (evidence only). Condition: Malignant tumor of esophagus. Review status: no classification provided. Collection method: in vitro. Allele origin: not applicable. Functional consequence: retained intron. Not counted in ClinVar's aggregate classification.